The following is an entry in ClinVar:

NM_000138.4:c.988+63_1838-598del

Gene: FBN1 (fibrillin 1; minus strand).
Variant type: Deletion.
Identifiers: ClinVar variation 4076493 (VCV004076493.1).

ClinVar aggregate classification (germline): Likely pathogenic (1 of 4 stars; one submission).

Conditions:
Cardiovascular phenotype. Identifiers: MedGen CN230736.

Submission:

Molecular Diagnostic Laboratory for Inherited Cardiovascular Disease, Montreal Heart Institute
Classification: Likely pathogenic for Cardiovascular phenotype. Last evaluated: 2025-07-15. Review status: criteria provided, single submitter. Criteria: ACMG Guidelines, 2015. Collection method: clinical testing. Allele origin: germline. Affected: yes.
Comment: PVS1_strong, PM2